The following is an entry in ClinVar:

ClinVar aggregate classification (germline): Conflicting classifications of pathogenicity. Review status: criteria provided, conflicting classifications (1 of 4 stars). 4 submissions from 4 submitters: Uncertain significance (1); Benign (1); Likely benign (1). 1 of the submissions does not count toward it. Last evaluated 2026-01-06.

Conditions:
RELA-related disorder. Also called: RELA-related condition.
Autoinflammatory disease, familial, Behcet-like-3. Also called: Mucocutaneous ulceration, chronic. Identifiers: Orphanet 596759, MedGen C4748997, MONDO:0032659, OMIM 618287.

Allele frequency attached by ClinVar (database versions not stated): gnomAD exomes 0.00019 and 0.00035; ESP Exome Variant Server 0.00023; gnomAD 0.00029 and 0.00032; ExAC 0.00036; TOPMed 0.00037.

Submissions (4):

Labcorp Genetics (formerly Invitae), Labcorp
Classification: Benign. Last evaluated: 2026-01-06. Review status: criteria provided, single submitter. Criteria: Invitae Variant Classification Sherloc (09022015). Collection method: clinical testing. Allele origin: germline.

Blueprint Genetics
Classification: Likely benign. Last evaluated: 2024-08-27. Review status: criteria provided, single submitter. Criteria: ACMG Guidelines, 2015. Collection method: clinical testing. Allele origin: germline.

Center for Genomics, Ann and Robert H. Lurie Children's Hospital of Chicago
Classification: Uncertain significance for Autoinflammatory disease, familial, Behcet-like-3. Last evaluated: 2021-03-30. Review status: criteria provided, single submitter. Criteria: ACMG Guidelines, 2015. Collection method: clinical testing. Allele origin: germline.
Comment: RELA NM_021975 exon 11 p.Tyr360Tyr (c.1080T>C): This variant has not been reported in the literature but is present in 0.4% (40/9624) of Ashkenazi Jewish alleles in the Genome Aggregation Database. Evolutionary conservation and computational predictive tools for this variant are limited or unavailable. Of note, this variant is a silent variant and does not change the amino acid, reducing the probability that this variant is disease causing. In summary, data on this variant is insufficient for disease classification. Therefore, the clinical significance of this variant is uncertain.

PreventionGenetics, part of Exact Sciences
Classification: Benign for RELA-related condition. Last evaluated: 2019-08-13. Review status: no assertion criteria provided. Collection method: clinical testing. Allele origin: germline. Not counted in ClinVar's aggregate classification.
Comment: This variant is classified as benign based on ACMG/AMP sequence variant interpretation guidelines (Richards et al. 2015 PMID: 25741868, with internal and published modifications).

NM_021975.4(RELA):c.1080T>C (p.Tyr360=)

Gene: RELA (RELA proto-oncogene, NF-kB subunit; minus strand). Cytogenetic location: 11q13.1.
Variant type: single nucleotide variant.
Coding change: c.1080T>C on transcript NM_021975.4 (MANE Select); coding-DNA position 1080, T replaced by C.
Protein change: p.Tyr360=; no amino-acid change (tyrosine 360 retained).
Molecular consequence: synonymous variant. On other transcripts: intron variant (1).
Genome position (GRCh38, 1-based): chr11:65,654,954, A>G on the plus strand (T>C on the coding strand, the complement: RELA is on the minus strand). VCF-style: chr11-65654954-A-G. GRCh37 (hg19) VCF-style: chr11-65422425-A-G.
Other names: c.1071T>C, p.Tyr357= (NM_001145138.2); c.1080T>C, p.Tyr360= (NM_001243985.2); c.1034-161T>C (NM_001243984.2); c.1080T>C (NM_021975.3).
Identifiers: ClinVar variation 626005 (VCV000626005.14), dbSNP rs149145548, ClinGen allele CA6106647.